The following is an entry in ClinVar:

NM_005032.7(PLS3):c.749-8dup

Gene: PLS3 (plastin 3; plus strand). Cytogenetic location: Xq23.
Variant type: Duplication.
Coding change: c.749-8dup on transcript NM_005032.7 (MANE Select); 8 bases into the intron before coding-DNA position 749, one base duplicated (T; older notation c.749-8dupT).
Molecular consequence: intron variant.
Genome position (GRCh38, 1-based): chrX:115,636,828, T duplicated; the last of 13 consecutive T bases (chrX:115,636,816-115,636,828); duplicating any one gives the same sequence. VCF-style (leftmost placement, unchanged base first): chrX-115636815-A-AT. GRCh37 (hg19) VCF-style: chrX-114871127-A-AT.
Other names: c.683-8dup (NM_001282337.2); c.614-8dup (NM_001282338.2); c.749-8dup (NM_001136025.5); c.668-8dup (NM_001172335.3).
Identifiers: ClinVar variation 3056480 (VCV003056480.2), dbSNP rs111323826, ClinGen allele CA10496940.

ClinVar aggregate classification (germline): Benign (0 of 4 stars; one submission).

Conditions:
PLS3-related disorder. Also called: PLS3-related condition.

Submission:

PreventionGenetics, part of Exact Sciences
Classification: Benign for PLS3-related condition. Last evaluated: 2019-04-17. Review status: no assertion criteria provided. Collection method: clinical testing. Allele origin: germline.
Comment: This variant is classified as benign based on ACMG/AMP sequence variant interpretation guidelines (Richards et al. 2015 PMID: 25741868, with internal and published modifications).